The following is an entry in ClinVar:

ClinVar aggregate classification (germline): Pathogenic/Likely pathogenic. Review status: criteria provided, multiple submitters, no conflicts (2 of 4 stars). 2 submissions from 2 submitters: Pathogenic (1); Likely pathogenic (1). Last evaluated 2025-03-06.

Conditions:
Inborn genetic diseases. Identifiers: MedGen C0950123, MeSH D030342.

Submissions (2):

Ambry Genetics
Classification: Likely pathogenic for Inborn genetic diseases. Last evaluated: 2025-03-06. Review status: criteria provided, single submitter. Criteria: Ambry Variant Classification Scheme 2023. Collection method: clinical testing. Allele origin: germline.
Comment: The c.2797G>A (p.D933N) alteration is located in exon 20 (coding exon 20) of the ATP1A1 gene. This alteration results from a G to A substitution at nucleotide position 2797, causing the aspartic acid (D) at amino acid position 933 to be replaced by an asparagine (N). This variant was not reported in population-based cohorts in the Genome Aggregation Database (gnomAD). This variant was determined to be de novo in at least one individual with features consistent with ATP1A1-related neurologic disorders (Lin, 2021). This amino acid position is highly conserved in available vertebrate species. This missense alteration is located in a region that has a low rate of benign missense variation (Lek, 2016; Firth, 2009). The in silico prediction for this alteration is inconclusive. Based on the available evidence, this alteration is classified as likely pathogenic.

GeneDx
Classification: Pathogenic. Last evaluated: 2023-10-26. Review status: criteria provided, single submitter. Criteria: GeneDx Variant Classification Process June 2021. Collection method: clinical testing. Allele origin: germline. Affected: yes.
Comment: Not observed in large population cohorts (gnomAD); In silico analysis supports that this missense variant has a deleterious effect on protein structure/function; This variant is associated with the following publications: (PMID: 34232746, 35110381, 33968856)

Literature cited by the submitters: PubMed 33968856 (cited by Ambry Genetics).

NM_000701.8(ATP1A1):c.2797G>A (p.Asp933Asn)

Genes: ATP1A1 (ATPase Na+/K+ transporting subunit alpha 1; plus strand), ATP1A1-AS1 (ATP1A1 antisense RNA 1; minus strand). Cytogenetic location: 1p13.1.
Variant type: single nucleotide variant.
Coding change: c.2797G>A on transcript NM_000701.8 (MANE Select); coding-DNA position 2797, G replaced by A.
Protein change: p.Asp933Asn; replaces aspartic acid 933 with asparagine.
Molecular consequence: missense variant.
Genome position (GRCh38, 1-based): chr1:116,401,208, G>A. VCF-style: chr1-116401208-G-A. GRCh37 (hg19) VCF-style: chr1-116943830-G-A.
Other names: c.2797G>A, p.Asp933Asn (NM_001160233.2); c.2704G>A, p.Asp902Asn (NM_001160234.2); c.2797G>A (NM_001160233.1); short protein forms D902N, D933N.
Identifiers: ClinVar variation 1311442 (VCV001311442.4), dbSNP rs2101066493, ClinGen allele CA341775681.